The following is an entry in ClinVar:

ClinVar aggregate classification (germline): Uncertain significance. Review status: criteria provided, multiple submitters, no conflicts (2 of 4 stars). 3 submissions from 3 submitters: Uncertain significance (3). Last evaluated 2025-10-21.

Conditions:
Inborn genetic diseases. Identifiers: MedGen C0950123, MeSH D030342.
Leber congenital amaurosis 1 (LCA1). Also called: Congenital absence of the rods and cones; Leber's congenital tapetoretinal degeneration; Leber's congenital tapetoretinal dysplasia; RETINAL BLINDNESS, CONGENITAL; AMAUROSIS CONGENITA OF LEBER I. Identifiers: Orphanet 65, MedGen C2931258, MONDO:0008764, OMIM 204000.
Cone-rod dystrophy 6 (CORD6). Also called: RETINAL CONE DYSTROPHY 2; Cone dystrophy progressive. Identifiers: Orphanet 1872, MedGen C1866293, MONDO:0011143, OMIM 601777.

Allele frequency attached by ClinVar (database versions not stated): ESP Exome Variant Server 0.00008.
gnomAD v4.1: 1 of 1,613,552 alleles (0.000062%); highest among the groups gnomAD compares: Non-Finnish European, 0.000085%; no homozygotes.

Submissions (3):

Ambry Genetics
Classification: Uncertain significance for Inborn genetic diseases. Last evaluated: 2025-10-21. Review status: criteria provided, single submitter. Criteria: Ambry Variant Classification Scheme 2023. Collection method: clinical testing. Allele origin: germline.

Labcorp Genetics (formerly Invitae), Labcorp
Classification: Uncertain significance for Leber congenital amaurosis 1; Cone-rod dystrophy 6. Last evaluated: 2022-07-06. Review status: criteria provided, single submitter. Criteria: Invitae Variant Classification Sherloc (09022015). Collection method: clinical testing. Allele origin: germline.
Comment: This sequence change replaces methionine, which is neutral and non-polar, with isoleucine, which is neutral and non-polar, at codon 419 of the GUCY2D protein (p.Met419Ile). This variant is present in population databases (rs202111469, gnomAD 0.0009%). In summary, the available evidence is currently insufficient to determine the role of this variant in disease. Therefore, it has been classified as a Variant of Uncertain Significance. Algorithms developed to predict the effect of missense changes on protein structure and function (SIFT, PolyPhen-2, Align-GVGD) all suggest that this variant is likely to be tolerated. ClinVar contains an entry for this variant (Variation ID: 1058745). This variant has not been reported in the literature in individuals affected with GUCY2D-related conditions.

Blueprint Genetics
Classification: Uncertain significance. Last evaluated: 2022-06-16. Review status: criteria provided, single submitter. Criteria: ACMG Guidelines, 2015. Collection method: clinical testing. Allele origin: germline.

NM_000180.4(GUCY2D):c.1257G>T (p.Met419Ile)

Gene: GUCY2D (guanylate cyclase 2D, retinal; plus strand). Cytogenetic location: 17p13.1.
Variant type: single nucleotide variant.
Coding change: c.1257G>T on transcript NM_000180.4 (MANE Select); coding-DNA position 1257, G replaced by T.
Protein change: p.Met419Ile; replaces methionine 419 with isoleucine.
Molecular consequence: missense variant.
Genome position (GRCh38, 1-based): chr17:8,006,593, G>T. VCF-style: chr17-8006593-G-T. GRCh37 (hg19) VCF-style: chr17-7909911-G-T.
Other names: c.1257G>T (NM_000180.3); short protein forms M419I.
Identifiers: ClinVar variation 1058745 (VCV001058745.11), dbSNP rs202111469, ClinGen allele CA8365695.
Genomic context (GRCh38, chr17:8,006,593, plus strand): 5'-GCCCCCATTCGTGCTGCTAGACACGGACGCGGCGGGAGACCGGCTTTTTGCCACATACAT[G>T]CTGGATCCTGCCCGGGGCTCCTTCCTCTCCGCCGGTACCCGGATGCACTTCCCGCGTGGG-3'
Protein context (NP_000171.1, residues 409-429): AAGDRLFATY[Met419Ile]LDPARGSFLS